The following is an entry in ClinVar:

ClinVar aggregate classification (germline): Pathogenic (1 of 4 stars; one submission).

Submission:

Labcorp Genetics (formerly Invitae), Labcorp
Classification: Pathogenic. Last evaluated: 2019-04-29. Review status: criteria provided, single submitter. Criteria: Invitae Variant Classification Sherloc (09022015). Collection method: clinical testing. Allele origin: germline.
Comment: This sequence change creates a premature translational stop signal (p.Leu187*) in the PRKN gene. It is expected to result in an absent or disrupted protein product. For these reasons, this variant has been classified as Pathogenic. Loss-of-function variants in PRKN are known to be pathogenic (PMID: 10072423, 20301651, 22956510). This variant has been observed to be homozygous in individuals affected with dystonia (Invitae). ClinVar contains an entry for this variant (Variation ID: 582111). This variant is not present in population databases (ExAC no frequency).

Literature cited by the submitters: PubMed 10072423; PubMed 20301651; PubMed 22956510.

NM_004562.3(PRKN):c.560T>G (p.Leu187Ter)

Gene: PRKN (parkin RBR E3 ubiquitin protein ligase; minus strand). Cytogenetic location: 6q26.
Variant type: single nucleotide variant.
Coding change: c.560T>G on transcript NM_004562.3 (MANE Select); coding-DNA position 560, T replaced by G.
Protein change: p.Leu187Ter; replaces leucine 187 with a stop codon.
Molecular consequence: nonsense. On other transcripts: intron variant (2).
Genome position (GRCh38, 1-based): chr6:162,054,149, A>C on the plus strand (T>G on the coding strand, the complement: PRKN is on the minus strand). VCF-style: chr6-162054149-A-C. GRCh37 (hg19) VCF-style: chr6-162475181-A-C.
Other names: c.172-80732T>G (NM_013988.3); c.535-80732T>G (NM_013987.3); short protein forms L187*.
Identifiers: ClinVar variation 582111 (VCV000582111.10), dbSNP rs1562485799, ClinGen allele CA366475342.
Genomic context (GRCh38, chr6:162,054,149, plus strand): 5'-ACTGCACTAGTCCCAGGGCAGTGTGGGGATTGGCATTCACCACTCATCCGGTTTGGAATT[A>C]AAACATCATCCCAGCAAGATGGACCCTTTGGGAAAAAACAACAATATATGCTTATATGAG-3'